The following is an entry in ClinVar:

NM_004795.4(KL):c.2811C>T (p.Pro937=)

Gene: KL (klotho; plus strand). Cytogenetic location: 13q13.1.
Variant type: single nucleotide variant.
Coding change: c.2811C>T on transcript NM_004795.4 (MANE Select); coding-DNA position 2811, C replaced by T.
Protein change: p.Pro937=; no amino-acid change (proline 937 retained).
Molecular consequence: synonymous variant.
Genome position (GRCh38, 1-based): chr13:33,063,958, C>T. VCF-style: chr13-33063958-C-T. GRCh37 (hg19) VCF-style: chr13-33638095-C-T.
Other names: c.2811C>T (NM_004795.3).
Identifiers: ClinVar variation 1649898 (VCV001649898.11), dbSNP rs751273061, ClinGen allele CA6944396.

ClinVar aggregate classification (germline): Likely benign. Review status: criteria provided, multiple submitters, no conflicts (2 of 4 stars). 3 submissions from 3 submitters: Likely benign (2). 1 of the submissions does not count toward it. Last evaluated 2025-10-16.

Conditions:
KL-related disorder. Also called: KL-related condition.
Tumoral calcinosis, hyperphosphatemic, familial, 3. Identifiers: MedGen C4693864, MONDO:0060715, OMIM 617994.

Allele frequency attached by ClinVar (database versions not stated): ExAC 0.00002; gnomAD 0.00002; TOPMed 0.00002; gnomAD exomes 0.00003 and 0.00005.
gnomAD v4.1: 69 of 1,614,022 alleles (0.0043%); highest among the groups gnomAD compares: Non-Finnish European, 0.0058%; no homozygotes.

Submissions (3):

Labcorp Genetics (formerly Invitae), Labcorp
Classification: Likely benign. Last evaluated: 2025-10-16. Review status: criteria provided, single submitter. Criteria: Invitae Variant Classification Sherloc (09022015). Collection method: clinical testing. Allele origin: germline.

Fulgent Genetics
Classification: Likely benign for Tumoral calcinosis, hyperphosphatemic, familial, 3. Last evaluated: 2021-11-30. Review status: criteria provided, single submitter. Criteria: ACMG Guidelines, 2015. Collection method: clinical testing. Allele origin: unknown.

PreventionGenetics, part of Exact Sciences
Classification: Likely benign for KL-related condition. Last evaluated: 2023-08-18. Review status: no assertion criteria provided. Collection method: clinical testing. Allele origin: germline. Not counted in ClinVar's aggregate classification.
Comment: This variant is classified as likely benign based on ACMG/AMP sequence variant interpretation guidelines (Richards et al. 2015 PMID: 25741868, with internal and published modifications).